The following is an entry in ClinVar:

NM_001486.4(GCKR):c.275A>G (p.Glu92Gly)

Gene: GCKR (glucokinase regulator; plus strand). Cytogenetic location: 2p23.3.
Variant type: single nucleotide variant.
Coding change: c.275A>G on transcript NM_001486.4 (MANE Select); coding-DNA position 275, A replaced by G.
Protein change: p.Glu92Gly; replaces glutamic acid 92 with glycine.
Molecular consequence: missense variant.
Genome position (GRCh38, 1-based): chr2:27,497,620, A>G. VCF-style: chr2-27497620-A-G. GRCh37 (hg19) VCF-style: chr2-27720487-A-G.
Other names: short protein forms E92G.
Identifiers: ClinVar variation 3359498 (VCV003359498.1).

ClinVar aggregate classification (germline): Uncertain significance (1 of 4 stars; one submission).

Submission:

GeneDx
Classification: Uncertain significance. Last evaluated: 2023-06-06. Review status: criteria provided, single submitter. Criteria: GeneDx Variant Classification Process June 2021. Collection method: clinical testing. Allele origin: germline. Affected: yes.
Comment: Has not been previously published as pathogenic or benign to our knowledge; Not observed at significant frequency in large population cohorts (gnomAD); In silico analysis supports that this missense variant does not alter protein structure/function